The following is an entry in ClinVar:

NM_017654.4(SAMD9):c.3341C>T (p.Pro1114Leu)

Gene: SAMD9 (sterile alpha motif domain containing 9; minus strand). Cytogenetic location: 7q21.2.
Variant type: single nucleotide variant.
Coding change: c.3341C>T on transcript NM_017654.4 (MANE Select); coding-DNA position 3341, C replaced by T.
Protein change: p.Pro1114Leu; replaces proline 1114 with leucine.
Molecular consequence: missense variant.
Genome position (GRCh38, 1-based): chr7:93,102,757, G>A on the plus strand (C>T on the coding strand, the complement: SAMD9 is on the minus strand). VCF-style: chr7-93102757-G-A. GRCh37 (hg19) VCF-style: chr7-92732070-G-A.
Other names: c.3341C>T, p.Pro1114Leu (NM_001193307.2); short protein forms P1114L.
Identifiers: ClinVar variation 4159227 (VCV004159227.1).

ClinVar aggregate classification (germline): Uncertain significance (1 of 4 stars; one submission).

Conditions:
Inborn genetic diseases. Identifiers: MedGen C0950123, MeSH D030342.

Submission:

Ambry Genetics
Classification: Uncertain significance for Inborn genetic diseases. Last evaluated: 2025-09-13. Review status: criteria provided, single submitter. Criteria: Ambry Variant Classification Scheme 2023. Collection method: clinical testing. Allele origin: germline.
Comment: The p.P1114L variant (also known as c.3341C>T), located in coding exon 1 of the SAMD9 gene, results from a C to T substitution at nucleotide position 3341. The proline at codon 1114 is replaced by leucine, an amino acid with similar properties. This amino acid position is conserved. In addition, this alteration is predicted to be tolerated by in silico analysis. Based on the available evidence, the clinical significance of this variant remains unclear.